The following is an entry in ClinVar:

ClinVar aggregate classification (germline): Likely pathogenic. Review status: criteria provided, multiple submitters, no conflicts (2 of 4 stars). 6 submissions from 6 submitters: Likely pathogenic (6). Last evaluated 2025-08-01.

Conditions:
STAR-related disorder. Also called: STAR-related condition.
Congenital lipoid adrenal hyperplasia due to STAR deficency. Also called: Congenital Lipoid Adrenal Hyperplasia; Cholesterol monooxygenase (side-chain cleaving) deficiency; Lipoid adrenal hyperplasia; ADRENAL HYPERPLASIA I. Identifiers: Orphanet 418, Orphanet 90790, MedGen C0342474, MONDO:0008725, OMIM 201710.

Allele frequency attached by ClinVar (database versions not stated): TOPMed 0.00002; ExAC 0.00007; gnomAD exomes 0.00008; gnomAD 0.00010 and 0.00011; 1000 Genomes Project 30x 0.00016; 1000 Genomes Project 0.00020.
gnomAD v4.1: 71 of 1,609,834 alleles (0.0044%); highest among the groups gnomAD compares: South Asian, 0.0033%; no homozygotes.

Submissions (6):

Natera, Inc.
Classification: Likely pathogenic for Congenital lipoid adrenal hyperplasia. Last evaluated: 2025-08-01. Review status: criteria provided, single submitter. Criteria: Natera Variant Classification Schema (03/2026). Collection method: clinical testing. Allele origin: germline.
Comment: The c.815G>A variant in STAR is a missense variant predicted to cause substitution of arginine to histidine at amino acid 272. This variant is rare in the general population with a frequency below the threshold expected for the associated phenotype(s). This variant has been observed in one or more individuals affected with the associated recessive disease, as either homozygous or compound heterozygous with a second variant (PMID: 28467518). A different variant at the same position has been determined to be Pathogenic or Likely Pathogenic. Computational prediction algorithms indicate this variant is likely to affect gene or protein function. Given the available evidence, this variant is classified as Likely Pathogenic.

First Genomix Gene Laboratory, Genetic Diagnostics Department
Classification: Likely pathogenic for Congenital lipoid adrenal hyperplasia due to STAR deficency. Last evaluated: 2025-06-02. Review status: criteria provided, single submitter. Criteria: ACMG Guidelines, 2015. Collection method: clinical testing. Allele origin: germline. Inheritance: Autosomal recessive inheritance. Affected: no. Observed: 1 variant allele.

Labcorp Genetics (formerly Invitae), Labcorp
Classification: Likely pathogenic. Last evaluated: 2024-10-15. Review status: criteria provided, single submitter. Criteria: Invitae Variant Classification Sherloc (09022015). Collection method: clinical testing. Allele origin: germline.
Comment: This sequence change replaces arginine, which is basic and polar, with histidine, which is basic and polar, at codon 272 of the STAR protein (p.Arg272His). This variant is present in population databases (rs540090187, gnomAD 0.08%). This missense change has been observed in individual(s) with congenital lipoid adrenal hyperplasia (PMID: 28467518). In at least one individual the data is consistent with being in trans (on the opposite chromosome) from a pathogenic variant. ClinVar contains an entry for this variant (Variation ID: 1334169). Invitae Evidence Modeling of protein sequence and biophysical properties (such as structural, functional, and spatial information, amino acid conservation, physicochemical variation, residue mobility, and thermodynamic stability) indicates that this missense variant is not expected to disrupt STAR protein function with a negative predictive value of 80%. This variant disrupts the p.Arg272 amino acid residue in STAR. Other variant(s) that disrupt this residue have been determined to be pathogenic (PMID: 28546232, 30476142, 31286101). This suggests that this residue is clinically significant, and that variants that disrupt this residue are likely to be disease-causing. In summary, the currently available evidence indicates that the variant is pathogenic, but additional data are needed to prove that conclusively. Therefore, this variant has been classified as Likely Pathogenic.

Blueprint Genetics
Classification: Likely pathogenic for STAR-related disorders. Last evaluated: 2024-06-19. Review status: criteria provided, single submitter. Criteria: ACMG Guidelines, 2015. Collection method: clinical testing. Allele origin: germline. Affected: yes. Observed: 5 variant alleles.

Fulgent Genetics
Classification: Likely pathogenic for Congenital lipoid adrenal hyperplasia due to STAR deficency. Last evaluated: 2024-01-09. Review status: criteria provided, single submitter. Criteria: ACMG Guidelines, 2015. Collection method: clinical testing. Allele origin: germline.

Myriad Genetics, Inc.
Classification: Likely pathogenic for Congenital lipoid adrenal hyperplasia due to STAR deficency. Last evaluated: 2021-11-01. Review status: criteria provided, single submitter. Criteria: Myriad Women's Health Autosomal Recessive and X-Linked Classification Criteria (2021). Collection method: clinical testing. Allele origin: unknown.
Comment: NM_000349.2(STAR):c.815G>A(R272H) is a missense variant classified as likely pathogenic in the context of lipoid congenital adrenal hyperplasia. R272H has been observed in cases with relevant disease (PMID: 28467518, Mochizuki_2008_(no PMID; abstract)). Functional assessments of this variant are not available in the literature. Internal structural analysis of the variant is supportive of pathogenicity. R272H has been observed in population frequency databases (gnomAD: FIN 0.08%). In summary, NM_000349.2(STAR):c.815G>A(R272H) is a missense variant that has internal structural support for pathogenicity and has been observed more frequently in cases with the relevant disease than in healthy populations. Please note: this variant was assessed in the context of healthy population screening.

Literature cited by the submitters: PubMed 28467518 (cited by 3 submitters); PubMed 28546232 (cited by Labcorp Genetics (formerly Invitae), Labcorp); PubMed 30476142 (cited by Labcorp Genetics (formerly Invitae), Labcorp); PubMed 31286101 (cited by Labcorp Genetics (formerly Invitae), Labcorp).

NM_000349.3(STAR):c.815G>A (p.Arg272His)

Gene: STAR (steroidogenic acute regulatory protein; minus strand). Cytogenetic location: 8p11.23.
Variant type: single nucleotide variant.
Coding change: c.815G>A on transcript NM_000349.3 (MANE Select); coding-DNA position 815, G replaced by A.
Protein change: p.Arg272His; replaces arginine 272 with histidine.
Molecular consequence: missense variant.
Genome position (GRCh38, 1-based): chr8:38,144,316, C>T on the plus strand (G>A on the coding strand, the complement: STAR is on the minus strand). VCF-style: chr8-38144316-C-T. GRCh37 (hg19) VCF-style: chr8-38001834-C-T.
Other names: c.815G>A (NM_000349.2); short protein forms R272H.
Identifiers: ClinVar variation 1334169 (VCV001334169.16), dbSNP rs540090187, ClinGen allele CA4715126.